The following is an entry in ClinVar:

NM_024422.6(DSC2):c.1264C>G (p.Pro422Ala)

Gene: DSC2 (desmocollin 2; minus strand). Cytogenetic location: 18q12.1.
Variant type: single nucleotide variant.
Coding change: c.1264C>G on transcript NM_024422.6 (MANE Select); coding-DNA position 1264, C replaced by G.
Protein change: p.Pro422Ala; replaces proline 422 with alanine.
Molecular consequence: missense variant.
Genome position (GRCh38, 1-based): chr18:31,080,352, G>C on the plus strand (C>G on the coding strand, the complement: DSC2 is on the minus strand). VCF-style: chr18-31080352-G-C. GRCh37 (hg19) VCF-style: chr18-28660318-G-C.
Other names: c.835C>G, p.Pro279Ala (NM_001406506.1, NM_001406507.1); c.1264C>G, p.Pro422Ala (NM_004949.5); short protein forms P279A, P422A.
Identifiers: ClinVar variation 4758886 (VCV004758886.1).

ClinVar aggregate classification (germline): Uncertain significance (1 of 4 stars; one submission).

Conditions:
Cardiomyopathy (CMYO). Also called: Cardiomyopathies. Identifiers: Orphanet 167848, MedGen C0878544, MONDO:0004994, HP:0001638. Inheritance: Various modes of inheritance.

Submission:

Color Diagnostics, LLC DBA Color Health
Classification: Uncertain significance for Cardiomyopathy. Last evaluated: 2025-07-07. Review status: criteria provided, single submitter. Criteria: ACMG Guidelines, 2015. Collection method: clinical testing. Allele origin: germline.
Comment: This missense variant replaces proline with alanine at codon 422 of the DSC2 protein. Computational prediction suggests that this variant may not impact protein structure and function. To our knowledge, functional studies have not been reported for this variant. This variant has not been reported in individuals affected with DSC2-related disorders in the literature. This variant has not been identified in the general population by the Genome Aggregation Database (gnomAD). The available evidence is insufficient to determine the role of this variant in disease conclusively. Therefore, this variant is classified as a Variant of Uncertain Significance.